The following is an entry in ClinVar:

NM_006073.4(TRDN):c.2084A>T (p.Asp695Val)

Gene: TRDN (triadin; minus strand). Cytogenetic location: 6q22.31.
Variant type: single nucleotide variant.
Coding change: c.2084A>T on transcript NM_006073.4 (MANE Select); coding-DNA position 2084, A replaced by T.
Protein change: p.Asp695Val; replaces aspartic acid 695 with valine.
Molecular consequence: missense variant.
Genome position (GRCh38, 1-based): chr6:123,218,707, T>A on the plus strand (A>T on the coding strand, the complement: TRDN is on the minus strand). VCF-style: chr6-123218707-T-A. GRCh37 (hg19) VCF-style: chr6-123539852-T-A.
Other names: short protein forms D695V.
Identifiers: ClinVar variation 408739 (VCV000408739.14), dbSNP rs202040879, ClinGen allele CA3983601.
Genomic context (GRCh38, chr6:123,218,707, plus strand): 5'-CTCTCTCCAGGGCGGTCTGCAGGAGTGAAAGGAAACTGAAATCCATAGCCATTGTACCCA[T>A]CCAAGTAGACACACTGGAAGAAACTGATGGGACCTAAGGAACAGAGCATGACAGTTTGTT-3'
Protein context (NP_006064.2, residues 685-705): PISFFQCVYL[Asp695Val]GYNGYGFQFP

ClinVar aggregate classification (germline): Uncertain significance. Review status: criteria provided, multiple submitters, no conflicts (2 of 4 stars). 4 submissions from 4 submitters: Uncertain significance (4). Last evaluated 2026-07-11.

Conditions:
Catecholaminergic polymorphic ventricular tachycardia 1. Also called: VENTRICULAR TACHYCARDIA, CATECHOLAMINERGIC POLYMORPHIC, 1, WITH OR WITHOUT ATRIAL DYSFUNCTION AND/OR DILATED CARDIOMYOPATHY; VENTRICULAR TACHYCARDIA, STRESS-INDUCED POLYMORPHIC 1; RYR2-Related Catecholaminergic Polymorphic Ventricular Tachycardia. Identifiers: Orphanet 3286, MedGen C1631597, MONDO:0011484, OMIM 604772.
Catecholaminergic polymorphic ventricular tachycardia 5 (CARDAR). Also called: CARDIAC ARRHYTHMIA SYNDROME, WITH OR WITHOUT SKELETAL MUSCLE WEAKNESS; Ventricular tachycardia, catecholaminergic polymorphic, 5, with or without muscle weakness. Identifiers: Orphanet 3286, MedGen C3809536, MONDO:0014191, OMIM 615441.
Cardiovascular phenotype. Identifiers: MedGen CN230736.

Allele frequency attached by ClinVar (database versions not stated): gnomAD 0.00006; TOPMed 0.00008; gnomAD exomes 0.00019 and 0.00006; ExAC 0.00005.
gnomAD v4.1: 288 of 1,589,326 alleles (0.018%); highest among the groups gnomAD compares: Non-Finnish European, 0.023%; no homozygotes.

Submissions (4):

GeneDx
Classification: Uncertain significance. Last evaluated: 2026-07-11. Review status: criteria provided, single submitter. Criteria: GeneDx Variant Classification Process June 2021. Collection method: clinical testing. Allele origin: germline.
Comment: Not observed at significant frequency in large population cohorts (gnomAD); In silico analysis suggests that this missense variant does not alter protein structure/function; Observed in a patient with short QT syndrome (PMID: 38489124); This variant is associated with the following publications: (PMID: 38489124)

Ambry Genetics
Classification: Uncertain significance for Cardiovascular phenotype. Last evaluated: 2025-01-29. Review status: criteria provided, single submitter. Criteria: Ambry Variant Classification Scheme 2023. Collection method: clinical testing. Allele origin: germline.
Comment: The p.D695V variant (also known as c.2084A>T), located in coding exon 41 of the TRDN gene, results from an A to T substitution at nucleotide position 2084. The aspartic acid at codon 695 is replaced by valine, an amino acid with highly dissimilar properties. This variant has been reported in a genetic testing cohort (Murphy J et al. Ir J Med Sci, 2024 Aug;193:1775-1785). This amino acid position is well conserved in available vertebrate species. In addition, the in silico prediction for this alteration is inconclusive. Based on the available evidence, the clinical significance of this variant remains unclear.

Labcorp Genetics (formerly Invitae), Labcorp
Classification: Uncertain significance for Catecholaminergic polymorphic ventricular tachycardia 1. Last evaluated: 2022-07-17. Review status: criteria provided, single submitter. Criteria: Invitae Variant Classification Sherloc (09022015). Collection method: clinical testing. Allele origin: germline.
Comment: This sequence change replaces aspartic acid, which is acidic and polar, with valine, which is neutral and non-polar, at codon 695 of the TRDN protein (p.Asp695Val). This variant is present in population databases (rs202040879, gnomAD 0.01%). This variant has not been reported in the literature in individuals affected with TRDN-related conditions. ClinVar contains an entry for this variant (Variation ID: 408739). Algorithms developed to predict the effect of missense changes on protein structure and function are either unavailable or do not agree on the potential impact of this missense change (SIFT: "Deleterious"; PolyPhen-2: "Probably Damaging"; Align-GVGD: "Class C0"). In summary, the available evidence is currently insufficient to determine the role of this variant in disease. Therefore, it has been classified as a Variant of Uncertain Significance.

Fulgent Genetics
Classification: Uncertain significance for Catecholaminergic polymorphic ventricular tachycardia 1; Catecholaminergic polymorphic ventricular tachycardia 5. Last evaluated: 2021-09-10. Review status: criteria provided, single submitter. Criteria: ACMG Guidelines, 2015. Collection method: clinical testing. Allele origin: unknown.

Literature cited by the submitters: PubMed 38489124 (cited by Ambry Genetics).